The following is an entry in ClinVar:

NM_001283009.2(RTEL1):c.308A>G (p.Tyr103Cys)

Genes: RTEL1 (regulator of telomere elongation helicase 1; plus strand), RTEL1-TNFRSF6B (RTEL1-TNFRSF6B readthrough (NMD candidate); plus strand). Cytogenetic location: 20q13.33.
Variant type: single nucleotide variant.
Coding change: c.308A>G on transcript NM_001283009.2 (MANE Select); coding-DNA position 308, A replaced by G.
Protein change: p.Tyr103Cys; replaces tyrosine 103 with cysteine.
Molecular consequence: missense variant. On other transcripts: non-coding transcript variant (1), 5 prime UTR variant (1).
Genome position (GRCh38, 1-based): chr20:63,661,856, A>G. VCF-style: chr20-63661856-A-G. GRCh37 (hg19) VCF-style: chr20-62293209-A-G.
Other names: c.-362A>G (NM_001283010.1); c.308A>G, p.Tyr103Cys (NM_016434.4, NM_032957.5); short protein forms Y103C.
Identifiers: ClinVar variation 4844090 (VCV004844090.2).

ClinVar aggregate classification (germline): Uncertain significance. Review status: criteria provided, multiple submitters, no conflicts (2 of 4 stars). 2 submissions from 2 submitters: Uncertain significance (2). Last evaluated 2026-01-12.

Conditions:
Inborn genetic diseases. Identifiers: MedGen C0950123, MeSH D030342.

gnomAD v4.1: 1 of 1,613,980 alleles (0.000062%); highest among the groups gnomAD compares: Middle Eastern, 0.016%; no homozygotes.

Submissions (2):

Ambry Genetics
Classification: Uncertain significance for Inborn genetic diseases. Last evaluated: 2026-01-12. Review status: criteria provided, single submitter. Criteria: Ambry Variant Classification Scheme 2023. Collection method: clinical testing. Allele origin: germline.
Comment: The p.Y103C variant (also known as c.308A>G), located in coding exon 3 of the RTEL1 gene, results from an A to G substitution at nucleotide position 308. The tyrosine at codon 103 is replaced by cysteine, an amino acid with highly dissimilar properties. This amino acid position is conserved. In addition, the in silico prediction for this alteration is inconclusive. Based on the available evidence, the clinical significance of this variant remains unclear.

Blueprint Genetics
Classification: Uncertain significance. Last evaluated: 2023-02-10. Review status: criteria provided, single submitter. Criteria: ACMG Guidelines, 2015. Collection method: clinical testing. Allele origin: germline.